The following is an entry in ClinVar:

ClinVar aggregate classification (germline): Uncertain significance (1 of 4 stars; one submission).

Conditions:
Immunodeficiency 104. Also called: Severe combined immunodeficiency, autosomal recessive, T cell-negative, B cell-positive, NK cell-positive; IMMUNODEFICIENCY 104, SEVERE COMBINED; SCID, AUTOSOMAL RECESSIVE, T CELL-NEGATIVE, B CELL-POSITIVE, NK CELL-POSITIVE; Severe Combined Immune Deficiency, Autosomal Recessive, TCell -Negative, B Cell-Positive, NK Cell-Positive, IL7R-Related. Identifiers: MedGen C5676890, MONDO:0012163, OMIM 608971.

Submission:

Labcorp Genetics (formerly Invitae), Labcorp
Classification: Uncertain significance for Immunodeficiency 104. Last evaluated: 2022-09-27. Review status: criteria provided, single submitter. Criteria: Invitae Variant Classification Sherloc (09022015). Collection method: clinical testing. Allele origin: germline.
Comment: This variant, c.3723_3725dup, results in the insertion of 1 amino acid(s) of the PTPRC protein (p.His1241dup), but otherwise preserves the integrity of the reading frame. This variant is present in population databases (rs780134914, gnomAD 0.01%). This variant has not been reported in the literature in individuals affected with PTPRC-related conditions. In summary, the available evidence is currently insufficient to determine the role of this variant in disease. Therefore, it has been classified as a Variant of Uncertain Significance.

NM_002838.5(PTPRC):c.3723_3725dup (p.His1241_Gln1242insHis)

Gene: PTPRC (protein tyrosine phosphatase receptor type C; plus strand). Cytogenetic location: 1q32.1.
Variant type: Duplication.
Coding change: c.3723_3725dup on transcript NM_002838.5 (MANE Select); coding-DNA positions 3723 to 3725, 3 bases duplicated (TCA; older notation c.3723_3725dupTCA).
Protein change: p.His1241_Gln1242insHis.
Molecular consequence: inframe insertion.
Genome position (GRCh38, 1-based): chr1:198,755,983-198,755,985, TCA duplicated; duplicating any 3 consecutive bases within chr1:198,755,981-198,755,985 gives the same sequence; the c. name uses the placement nearest the transcript's 3' end. VCF-style (leftmost placement, unchanged base first): chr1-198755980-C-CCAT. GRCh37 (hg19) VCF-style: chr1-198725109-C-CCAT.
Other names: c.3240_3242dup, p.His1080_Gln1081insHis (NM_080921.4).
Identifiers: ClinVar variation 2174560 (VCV002174560.1), dbSNP rs780134914, ClinGen allele CA1315546.